The following is an entry in ClinVar:

NM_000048.4(ASL):c.502C>T (p.Arg168Cys)

Gene: ASL (argininosuccinate lyase; plus strand). Cytogenetic location: 7q11.21.
Variant type: single nucleotide variant.
Coding change: c.502C>T on transcript NM_000048.4 (MANE Select); coding-DNA position 502, C replaced by T.
Protein change: p.Arg168Cys; replaces arginine 168 with cysteine.
Molecular consequence: missense variant.
Genome position (GRCh38, 1-based): chr7:66,086,640, C>T. VCF-style: chr7-66086640-C-T. GRCh37 (hg19) VCF-style: chr7-65551627-C-T.
Other names: c.502C>T, p.Arg168Cys (NM_001024943.2, NM_001024944.2, NM_001024946.2); short protein forms R168C.
Identifiers: ClinVar variation 198385 (VCV000198385.9), dbSNP rs766832061, ClinGen allele CA247012.

ClinVar aggregate classification (germline): Conflicting classifications of pathogenicity. Review status: criteria provided, conflicting classifications (1 of 4 stars). 4 submissions from 4 submitters: Likely pathogenic (1); Uncertain significance (2). 1 of the submissions does not count toward it. Last evaluated 2025-07-15.

Conditions:
Autism (AUTS). Also called: Autistic disorder; Autistic disorder of childhood onset. Identifiers: MedGen C0004352, MeSH D001321, MONDO:0005260, OMIM 209850, HP:0000717.
Argininosuccinate lyase deficiency. Also called: Argininosuccinic aciduria; ARGININOSUCCINIC ACID LYASE DEFICIENCY; ASL DEFICIENCY. Identifiers: Orphanet 23, MedGen C0268547, MONDO:0008815, OMIM 207900, HP:0025630.

Allele frequency attached by ClinVar (database versions not stated): gnomAD 0.00001; TOPMed 0.00003.

Submissions (4):

Women's Health and Genetics/Laboratory Corporation of America, LabCorp
Classification: Uncertain significance. Last evaluated: 2025-07-15. Review status: criteria provided, single submitter. Criteria: LabCorp Variant Classification Summary - May 2015. Collection method: clinical testing. Allele origin: germline.
Comment: Variant summary: ASL c.502C>T (p.Arg168Cys) results in a non-conservative amino acid change in the encoded protein sequence. Algorithms developed to predict the effect of missense changes on protein structure and function all suggest that this variant is likely to be disruptive. The variant allele was found at a frequency of 8e-06 in 250722 control chromosomes. c.502C>T has been observed in a heterozygous individual affected with Argininosuccinic Aciduria and in a homozygous asymptomatic individual, both identified during newborn screening (e.g. Balmer_2014, Mercimek-Mahmutoglu_2010). These report(s) do not provide unequivocal conclusions about association of the variant with Argininosuccinic Aciduria. At least one publication reports experimental evidence evaluating an impact on protein function. The most pronounced variant effect results in 10%-<30% of normal enzyme activity in vitro (Inauen_2016). The following publications have been ascertained in the context of this evaluation (PMID: 24166829, 26745957, 20236848). ClinVar contains an entry for this variant (Variation ID: 198385). Based on the evidence outlined above, the variant was classified as VUS-possibly pathogenic.

Genomic Medicine Center of Excellence, King Faisal Specialist Hospital and Research Centre
Classification: Likely pathogenic for Argininosuccinate lyase deficiency. Last evaluated: 2024-03-17. Review status: criteria provided, single submitter. Criteria: ACMG Guidelines, 2015. Collection method: research. Allele origin: germline.

Eurofins Ntd Llc (ga)
Classification: Uncertain significance. Last evaluated: 2014-07-24. Review status: criteria provided, single submitter. Criteria: EGL Classification Definitions 2015. Collection method: clinical testing. Allele origin: germline. Observed: 1 variant allele, 1 homozygote.

Centre for Addiction & Mental Health
Classification: Uncertain significance for Autism. Review status: no assertion criteria provided. Collection method: research. Allele origin: biparental. Affected: yes. Observed: 1 homozygote. Segregation with disease observed. Not counted in ClinVar's aggregate classification.
Comment: Nonsynonymous variant in known disease gene; no homozygotes in gnomAD control data, but no functional assay data available

Literature cited by the submitters: PubMed 24166829 (cited by Women's Health and Genetics/Laboratory Corporation of America, LabCorp); PubMed 20236848 (cited by Women's Health and Genetics/Laboratory Corporation of America, LabCorp); PubMed 26745957 (cited by Women's Health and Genetics/Laboratory Corporation of America, LabCorp).